The following is an entry in ClinVar:

NM_001939.3(DRP2):c.2861T>G (p.Leu954Arg)

Gene: DRP2 (dystrophin related protein 2; plus strand). Cytogenetic location: Xq22.1.
Variant type: single nucleotide variant.
Coding change: c.2861T>G on transcript NM_001939.3 (MANE Select); coding-DNA position 2861, T replaced by G.
Protein change: p.Leu954Arg; replaces leucine 954 with arginine.
Molecular consequence: missense variant.
Genome position (GRCh38, 1-based): chrX:101,260,608, T>G. VCF-style: chrX-101260608-T-G. GRCh37 (hg19) VCF-style: chrX-100515597-T-G.
Other names: c.2627T>G, p.Leu876Arg (NM_001171184.2); short protein forms L876R, L954R.
Identifiers: ClinVar variation 1719922 (VCV001719922.5), dbSNP rs2520297964, ClinGen allele CA413916230.

ClinVar aggregate classification (germline): Uncertain significance (1 of 4 stars; one submission).

Allele frequency attached by ClinVar (database versions not stated): gnomAD exomes below 0.00001.

Submission:

Labcorp Genetics (formerly Invitae), Labcorp
Classification: Uncertain significance. Last evaluated: 2022-07-20. Review status: criteria provided, single submitter. Criteria: Invitae Variant Classification Sherloc (09022015). Collection method: clinical testing. Allele origin: germline.
Comment: This variant has not been reported in the literature in individuals affected with DRP2-related conditions. This variant is not present in population databases (gnomAD no frequency). This sequence change replaces leucine, which is neutral and non-polar, with arginine, which is basic and polar, at codon 954 of the DRP2 protein (p.Leu954Arg). Algorithms developed to predict the effect of missense changes on protein structure and function are either unavailable or do not agree on the potential impact of this missense change (SIFT: "Deleterious"; PolyPhen-2: "Possibly Damaging"; Align-GVGD: "Class C0"). In summary, the available evidence is currently insufficient to determine the role of this variant in disease. Therefore, it has been classified as a Variant of Uncertain Significance.